The following is an entry in ClinVar:

ClinVar aggregate classification (germline): Uncertain significance. Review status: reviewed by expert panel (3 of 4 stars). 2 submissions from 2 submitters: Uncertain significance (1). 1 of the submissions does not count toward it. Last evaluated 2026-07-24.

Conditions:
Monogenic diabetes. Identifiers: Orphanet 183625, MedGen C3888631, MONDO:0015967.

Allele frequency attached by ClinVar (database versions not stated): gnomAD exomes below 0.00001.
gnomAD v4.1: 1 of 1,613,904 alleles (0.000062%); highest among the groups gnomAD compares: Non-Finnish European, 0.000085%; no homozygotes.

Submissions (2):

ClinGen Monogenic Diabetes Variant Curation Expert Panel
Classification: Uncertain significance for Monogenic diabetes. Last evaluated: 2026-07-24. Review status: reviewed by expert panel. Criteria: ClinGen Diabetes ACMG Specifications HNF1A V3.1.0. Collection method: curation. Allele origin: germline. Inheritance: Autosomal dominant inheritance.
Comment: The c.1624-3C>T variant in the HNF1 homeobox A gene, HNF1A, is a single nucleotide variant within intron 8 of NM_000545.8. This variant has an incomputable gnomAD v4.1.0 Grpmax filtering allele frequency due to no more than one copy in any subpopulation, thereby meeting the ClinGen MDEP threshold criteria for PM2_Supporting (Grpmax FAF <= 0.000003) (PM2_Supporting). The computational splicing predictor SpliceAI gives a score of 0.05 for acceptor loss, suggesting that the variant has no impact on splicing (BP4). This variant was identified in an individual(s) with diabetes; however, the calculated MODY probability is <50% (internal lab contributors). In summary, c.1624-3C>T meets the criteria to be classified as a variant of uncertain significance for monogenic diabetes. ACMG/AMP criteria applied, as specified by the ClinGen MDEP (specification version 3.1.0, approved 10/10/2025.): PM2_Supporting, BP4.

Labcorp Genetics (formerly Invitae), Labcorp
Classification: Uncertain significance. Last evaluated: 2023-07-07. Review status: criteria provided, single submitter. Criteria: Invitae Variant Classification Sherloc (09022015). Collection method: clinical testing. Allele origin: germline. Not counted in ClinVar's aggregate classification.
Comment: Variants that disrupt the consensus splice site are a relatively common cause of aberrant splicing (PMID: 17576681, 9536098). Algorithms developed to predict the effect of sequence changes on RNA splicing suggest that this variant is not likely to affect RNA splicing. This variant has not been reported in the literature in individuals affected with HNF1A-related conditions. This variant is not present in population databases (gnomAD no frequency). This sequence change falls in intron 8 of the HNF1A gene. It does not directly change the encoded amino acid sequence of the HNF1A protein. It affects a nucleotide within the consensus splice site. In summary, the available evidence is currently insufficient to determine the role of this variant in disease. Therefore, it has been classified as a Variant of Uncertain Significance.

Literature cited by the submitters: PubMed 17576681 (cited by Labcorp Genetics (formerly Invitae), Labcorp); PubMed 9536098 (cited by Labcorp Genetics (formerly Invitae), Labcorp).

NM_000545.8(HNF1A):c.1624-3C>T

Gene: HNF1A (HNF1 homeobox A; plus strand). Cytogenetic location: 12q24.31.
Variant type: single nucleotide variant.
Coding change: c.1624-3C>T on transcript NM_000545.8 (MANE Select); 3 bases into the intron before coding-DNA position 1624, C replaced by T.
Molecular consequence: intron variant. On other transcripts: nonsense (1).
Genome position (GRCh38, 1-based): chr12:120,999,480, C>T. VCF-style: chr12-120999480-C-T. GRCh37 (hg19) VCF-style: chr12-121437283-C-T.
Other names: NM_001306179.2:c.1642C>T; c.1642C>T, p.Gln548Ter (NM_001306179.2); c.1432-3C>T (NM_001406915.1); short protein forms Q548*.
Identifiers: ClinVar variation 2919318 (VCV002919318.4), dbSNP rs2500009835, ClinGen allele CA386972723.